The following is an entry in ClinVar:

NM_001844.5(COL2A1):c.4225A>G (p.Lys1409Glu)

Gene: COL2A1 (collagen type II alpha 1 chain; minus strand). Cytogenetic location: 12q13.11.
Variant type: single nucleotide variant.
Coding change: c.4225A>G on transcript NM_001844.5 (MANE Select); coding-DNA position 4225, A replaced by G.
Protein change: p.Lys1409Glu; replaces lysine 1409 with glutamic acid.
Molecular consequence: missense variant.
Genome position (GRCh38, 1-based): chr12:47,974,181, T>C on the plus strand (A>G on the coding strand, the complement: COL2A1 is on the minus strand). VCF-style: chr12-47974181-T-C. GRCh37 (hg19) VCF-style: chr12-48367964-T-C.
Other names: c.4018A>G, p.Lys1340Glu (NM_033150.3); short protein forms K1340E, K1409E.
Identifiers: ClinVar variation 855108 (VCV000855108.10), dbSNP rs1938575220, ClinGen allele CA384533587.

ClinVar aggregate classification (germline): Uncertain significance. Review status: criteria provided, multiple submitters, no conflicts (2 of 4 stars). 2 submissions from 2 submitters: Uncertain significance (2). Last evaluated 2023-08-21.

Submissions (2):

Blueprint Genetics
Classification: Uncertain significance. Last evaluated: 2023-08-21. Review status: criteria provided, single submitter. Criteria: ACMG Guidelines, 2015. Collection method: clinical testing. Allele origin: germline.

Labcorp Genetics (formerly Invitae), Labcorp
Classification: Uncertain significance. Last evaluated: 2022-02-23. Review status: criteria provided, single submitter. Criteria: Invitae Variant Classification Sherloc (09022015). Collection method: clinical testing. Allele origin: germline.
Comment: In summary, the available evidence is currently insufficient to determine the role of this variant in disease. Therefore, it has been classified as a Variant of Uncertain Significance. Advanced modeling of protein sequence and biophysical properties (such as structural, functional, and spatial information, amino acid conservation, physicochemical variation, residue mobility, and thermodynamic stability) performed at Invitae indicates that this missense variant is not expected to disrupt COL2A1 protein function. ClinVar contains an entry for this variant (Variation ID: 855108). This variant has not been reported in the literature in individuals affected with COL2A1-related conditions. This variant is not present in population databases (gnomAD no frequency). This sequence change replaces lysine, which is basic and polar, with glutamic acid, which is acidic and polar, at codon 1409 of the COL2A1 protein (p.Lys1409Glu).